The following is an entry in ClinVar:

NM_001261826.3(AP3D1):c.2584A>G (p.Lys862Glu)

Gene: AP3D1 (adaptor related protein complex 3 subunit delta 1; minus strand). Cytogenetic location: 19p13.3.
Variant type: single nucleotide variant.
Coding change: c.2584A>G on transcript NM_001261826.3 (MANE Select); coding-DNA position 2584, A replaced by G.
Protein change: p.Lys862Glu; replaces lysine 862 with glutamic acid.
Molecular consequence: missense variant.
Genome position (GRCh38, 1-based): chr19:2,114,142, T>C on the plus strand (A>G on the coding strand, the complement: AP3D1 is on the minus strand). VCF-style: chr19-2114142-T-C. GRCh37 (hg19) VCF-style: chr19-2114141-T-C.
Other names: p.Lys862Glu; c.2584A>G, p.Lys862Glu (NM_001374799.1, NM_003938.8); short protein forms K862E.
Identifiers: ClinVar variation 2049134 (VCV002049134.6), dbSNP rs776139781, ClinGen allele CA9058807.

ClinVar aggregate classification (germline): Uncertain significance. Review status: criteria provided, multiple submitters, no conflicts (2 of 4 stars). 3 submissions from 3 submitters: Uncertain significance (3). Last evaluated 2025-11-22.

Conditions:
Inborn genetic diseases. Identifiers: MedGen C0950123, MeSH D030342.

Allele frequency attached by ClinVar (database versions not stated): gnomAD exomes 0.00003; gnomAD 0.00005; TOPMed 0.00011; ExAC 0.00012.
gnomAD v4.1: 56 of 1,560,560 alleles (0.0036%); highest among the groups gnomAD compares: Admixed American, 0.031%; no homozygotes.

Submissions (3):

Labcorp Genetics (formerly Invitae), Labcorp
Classification: Uncertain significance. Last evaluated: 2025-11-22. Review status: criteria provided, single submitter. Criteria: Invitae Variant Classification Sherloc (09022015). Collection method: clinical testing. Allele origin: germline.
Comment: This sequence change replaces lysine, which is basic and polar, with glutamic acid, which is acidic and polar, at codon 862 of the AP3D1 protein (p.Lys862Glu). The frequency data for this variant in the population databases is considered unreliable, as metrics indicate poor data quality at this position in the gnomAD database. This variant has not been reported in the literature in individuals affected with AP3D1-related conditions. ClinVar contains an entry for this variant (Variation ID: 2049134). An algorithm developed to predict the effect of missense changes on protein structure and function (PolyPhen-2) suggests that this variant is likely to be tolerated. In summary, the available evidence is currently insufficient to determine the role of this variant in disease. Therefore, it has been classified as a Variant of Uncertain Significance.

Mayo Clinic Laboratories, Mayo Clinic
Classification: Uncertain significance. Last evaluated: 2025-05-05. Review status: criteria provided, single submitter. Criteria: ACMG Guidelines, 2015. Collection method: clinical testing. Allele origin: germline. Observed: 3 variant alleles.
Comment: BP4_moderate

Ambry Genetics
Classification: Uncertain significance for Inborn genetic diseases. Last evaluated: 2022-02-02. Review status: criteria provided, single submitter. Criteria: Ambry Variant Classification Scheme 2023. Collection method: clinical testing. Allele origin: germline.